The following is an entry in ClinVar:

NM_018668.5(VPS33B):c.1623_1641del (p.Arg542fs)

Gene: VPS33B (VPS33B late endosome and lysosome associated; minus strand). Cytogenetic location: 15q26.1.
Variant type: Deletion.
Coding change: c.1623_1641del on transcript NM_018668.5 (MANE Select); coding-DNA positions 1623 to 1641, 19 bases deleted (ACGGCTGCTCAACTGCAGT).
Protein change: p.Arg542fs; shifts the reading frame from arginine 542.
Molecular consequence: frameshift variant.
Genome position (GRCh38, 1-based): chr15:90,999,916-90,999,934, ACTGCAGTTGAGCAGCCGT deleted on the plus strand (ACGGCTGCTCAACTGCAGT on the coding strand, the reverse complement: VPS33B is on the minus strand); deleting any 19 consecutive bases within chr15:90,999,916-90,999,936 gives the same sequence; the c. name uses the placement nearest the transcript's 3' end. VCF-style (leftmost placement, unchanged base first): chr15-90999915-CACTGCAGTTGAGCAGCCGT-C. GRCh37 (hg19) VCF-style: chr15-91543145-CACTGCAGTTGAGCAGCCGT-C.
Other names: c.1542_1560del, p.Arg515fs (NM_001289148.1); c.1350_1368del, p.Arg451fs (NM_001289149.1); c.1623_1641del19 (NM_018668.4); short protein forms R451fs, R515fs, R542fs.
Identifiers: ClinVar variation 3029060 (VCV003029060.4), dbSNP rs781206362, ClinGen allele CA7744566.

ClinVar aggregate classification (germline): Pathogenic/Likely pathogenic. Review status: criteria provided, multiple submitters, no conflicts (2 of 4 stars). 3 submissions from 3 submitters: Pathogenic (1); Likely pathogenic (1). 1 of the submissions does not count toward it. Last evaluated 2026-01-08.

Conditions:
Keratoderma-ichthyosis-deafness syndrome, autosomal recessive (KDIDAR). Identifiers: MedGen C5774200, MONDO:0859278, OMIM 620009.
Cholestasis, progressive familial intrahepatic, 12 (PFIC12). Also called: CHOLESTASIS, ISOLATED LOW-GGT. Identifiers: MedGen C5774311, MONDO:0031040, OMIM 620010.
Arthrogryposis, renal dysfunction, and cholestasis 1 (ARCS1). Identifiers: Orphanet 2697, MedGen C1859722, MONDO:0008822, OMIM 208085.
VPS33B-related disorder. Also called: VPS33B-related condition.

Submissions (3):

Labcorp Genetics (formerly Invitae), Labcorp
Classification: Pathogenic. Last evaluated: 2026-01-08. Review status: criteria provided, single submitter. Criteria: Invitae Variant Classification Sherloc (09022015). Collection method: clinical testing. Allele origin: germline.
Comment: This sequence change creates a premature translational stop signal (p.Arg542Thrfs*7) in the VPS33B gene. It is expected to result in an absent or disrupted protein product. Loss-of-function variants in VPS33B are known to be pathogenic (PMID: 15052268, 16896922). This variant is present in population databases (rs781206362, gnomAD 0.07%). This variant has not been reported in the literature in individuals affected with VPS33B-related conditions. ClinVar contains an entry for this variant (Variation ID: 3029060). For these reasons, this variant has been classified as Pathogenic.

Fulgent Genetics
Classification: Likely pathogenic for Arthrogryposis, renal dysfunction, and cholestasis 1; Keratoderma-ichthyosis-deafness syndrome, autosomal recessive; Cholestasis, progressive familial intrahepatic, 12. Last evaluated: 2024-01-18. Review status: criteria provided, single submitter. Criteria: ACMG Guidelines, 2015. Collection method: clinical testing. Allele origin: germline.

PreventionGenetics, part of Exact Sciences
Classification: Likely pathogenic for VPS33B-related condition. Last evaluated: 2024-01-03. Review status: no assertion criteria provided. Collection method: clinical testing. Allele origin: germline. Not counted in ClinVar's aggregate classification.
Comment: The VPS33B c.1623_1641del19 variant is predicted to result in a frameshift and premature protein termination (p.Arg542Thrfs*7). To our knowledge, this variant has not been reported in the literature. This variant is reported in 0.079% of alleles in individuals of Ashkenazi Jewish descent in gnomAD. Frameshift variants in VPS33B are expected to be pathogenic. This variant is interpreted as likely pathogenic.

Literature cited by the submitters: PubMed 15052268 (cited by Labcorp Genetics (formerly Invitae), Labcorp); PubMed 16896922 (cited by Labcorp Genetics (formerly Invitae), Labcorp).